The following is an entry in ClinVar:

NM_000257.4(MYH7):c.3677T>C (p.Leu1226Pro)

Gene: MYH7 (myosin heavy chain 7; minus strand). Cytogenetic location: 14q11.2.
Variant type: single nucleotide variant.
Coding change: c.3677T>C on transcript NM_000257.4 (MANE Select); coding-DNA position 3677, T replaced by C.
Protein change: p.Leu1226Pro; replaces leucine 1226 with proline.
Molecular consequence: missense variant.
Genome position (GRCh38, 1-based): chr14:23,419,894, A>G on the plus strand (T>C on the coding strand, the complement: MYH7 is on the minus strand). VCF-style: chr14-23419894-A-G. GRCh37 (hg19) VCF-style: chr14-23889103-A-G.
Other names: short protein forms L1226P.
Identifiers: ClinVar variation 1317210 (VCV001317210.2), dbSNP rs2138653468, ClinGen allele CA389043068.

ClinVar aggregate classification (germline): Uncertain significance (1 of 4 stars; one submission).

Submission:

GeneDx
Classification: Uncertain significance. Last evaluated: 2019-06-03. Review status: criteria provided, single submitter. Criteria: GeneDx Variant Classification Process June 2021. Collection method: clinical testing. Allele origin: germline. Affected: yes.
Comment: Has not been previously published as pathogenic or benign to our knowledge; Not observed in large population cohorts (Lek et al., 2016); In silico analysis, which includes protein predictors and evolutionary conservation, supports a deleterious effect